The following is an entry in ClinVar:

ClinVar aggregate classification (germline): Pathogenic (1 of 4 stars; one submission).

Submission:

Labcorp Genetics (formerly Invitae), Labcorp
Classification: Pathogenic. Last evaluated: 2025-04-02. Review status: criteria provided, single submitter. Criteria: Invitae Variant Classification Sherloc (09022015). Collection method: clinical testing. Allele origin: germline.
Comment: This sequence change creates a premature translational stop signal (p.Leu1147Phefs*42) in the ANK1 gene. It is expected to result in an absent or disrupted protein product. Loss-of-function variants in ANK1 are known to be pathogenic (PMID: 8640229). This variant is not present in population databases (gnomAD no frequency). This variant has not been reported in the literature in individuals affected with ANK1-related conditions. For these reasons, this variant has been classified as Pathogenic.

Literature cited by the submitters: PubMed 8640229.

NM_000037.4(ANK1):c.3439del (p.Leu1147fs)

Gene: ANK1 (ankyrin 1; minus strand). Cytogenetic location: 8p11.21.
Variant type: Deletion.
Coding change: c.3439del on transcript NM_000037.4 (MANE Select); coding-DNA position 3439, one base deleted (C; older notation c.3439delC).
Protein change: p.Leu1147fs; shifts the reading frame from leucine 1147.
Molecular consequence: frameshift variant.
Genome position (GRCh38, 1-based): chr8:41,693,991, G deleted on the plus strand (C on the coding strand, the reverse complement: ANK1 is on the minus strand). VCF-style (leftmost placement, unchanged base first): chr8-41693990-AG-A. GRCh37 (hg19) VCF-style: chr8-41551508-AG-A.
Other names: c.3562del, p.Leu1188fs (NM_001142446.2); c.3439del, p.Leu1147fs (NM_020475.3, NM_020476.3, NM_020477.3); short protein forms L1188fs, L1147fs.
Identifiers: ClinVar variation 4716579 (VCV004716579.1).